The following is an entry in ClinVar:

ClinVar aggregate classification (germline): Uncertain significance. Review status: criteria provided, multiple submitters, no conflicts (2 of 4 stars). 2 submissions from 2 submitters: Uncertain significance (2). Last evaluated 2025-10-29.

Conditions:
Inborn genetic diseases. Identifiers: MedGen C0950123, MeSH D030342.
Brody myopathy. Also called: BRODY DISEASE. Identifiers: Orphanet 53347, MedGen C1832918, MONDO:0010977, OMIM 601003.

Allele frequency attached by ClinVar (database versions not stated): gnomAD 0.00001; gnomAD exomes 0.00001; TOPMed 0.00001; ExAC 0.00002.

Submissions (2):

Ambry Genetics
Classification: Uncertain significance for Inborn genetic diseases. Last evaluated: 2025-10-29. Review status: criteria provided, single submitter. Criteria: Ambry Variant Classification Scheme 2023. Collection method: clinical testing. Allele origin: germline.

Labcorp Genetics (formerly Invitae), Labcorp
Classification: Uncertain significance for Brody myopathy. Last evaluated: 2020-12-21. Review status: criteria provided, single submitter. Criteria: Invitae Variant Classification Sherloc (09022015). Collection method: clinical testing. Allele origin: germline.
Comment: In summary, the available evidence is currently insufficient to determine the role of this variant in disease. Therefore, it has been classified as a Variant of Uncertain Significance. Algorithms developed to predict the effect of missense changes on protein structure and function are either unavailable or do not agree on the potential impact of this missense change (SIFT: "Deleterious"; PolyPhen-2: "Probably Damaging"; Align-GVGD: "Class C0"). This variant has not been reported in the literature in individuals with ATP2A1-related conditions. This variant is present in population databases (rs746961249, ExAC 0.003%). This sequence change replaces proline with serine at codon 282 of the ATP2A1 protein (p.Pro282Ser). The proline residue is moderately conserved and there is a moderate physicochemical difference between proline and serine.

NM_004320.6(ATP2A1):c.844C>T (p.Pro282Ser)

Gene: ATP2A1 (ATPase sarcoplasmic/endoplasmic reticulum Ca2+ transporting 1; plus strand). Cytogenetic location: 16p11.2.
Variant type: single nucleotide variant.
Coding change: c.844C>T on transcript NM_004320.6 (MANE Select); coding-DNA position 844, C replaced by T.
Protein change: p.Pro282Ser; replaces proline 282 with serine.
Molecular consequence: missense variant.
Genome position (GRCh38, 1-based): chr16:28,887,638, C>T. VCF-style: chr16-28887638-C-T. GRCh37 (hg19) VCF-style: chr16-28898959-C-T.
Other names: c.469C>T, p.Pro157Ser (NM_001286075.2); c.844C>T, p.Pro282Ser (NM_173201.5); short protein forms P157S, P282S.
Identifiers: ClinVar variation 1005601 (VCV001005601.10), dbSNP rs746961249, ClinGen allele CA7986771.